The following is an entry in ClinVar:

NM_000257.4(MYH7):c.2573G>C (p.Arg858Pro)

Genes: MYH7 (myosin heavy chain 7; minus strand), LOC126861898 (BRD4-independent group 4 enhancer GRCh37_chr14:23893609-23894808; plus strand). Cytogenetic location: 14q11.2.
Variant type: single nucleotide variant.
Coding change: c.2573G>C on transcript NM_000257.4 (MANE Select); coding-DNA position 2573, G replaced by C.
Protein change: p.Arg858Pro; replaces arginine 858 with proline.
Molecular consequence: missense variant.
Genome position (GRCh38, 1-based): chr14:23,424,875, C>G on the plus strand (G>C on the coding strand, the complement: MYH7 is on the minus strand). VCF-style: chr14-23424875-C-G. GRCh37 (hg19) VCF-style: chr14-23894084-C-G.
Other names: c.2573G>C (LRG_384t1); short protein forms R858P.
Identifiers: ClinVar variation 520277 (VCV000520277.12), dbSNP rs2856897, ClinGen allele CA257819426.
Genomic context (GRCh38, chr14:23,424,875, plus strand): 5'-ACCATCTTCTCCTCCAGCTCCTTGCGGCGAGCCTCGGACTTCTCTAGCGCCTCTTTGAGG[C>G]GTGTGAACTCCTCCTTCATGGAGGCCATCTCCTTCTCTCTTTCTGCACTCTTCAGCAGCG-3'
Protein context (NP_000248.2, residues 848-868): EMASMKEEFT[Arg858Pro]LKEALEKSEA

ClinVar aggregate classification (germline): Likely pathogenic. Review status: criteria provided, multiple submitters, no conflicts (2 of 4 stars). 2 submissions from 2 submitters: Likely pathogenic (2). Last evaluated 2021-12-09.

Conditions:
Cardiovascular phenotype. Identifiers: MedGen CN230736.
Hypertrophic cardiomyopathy. Also called: HYPERTROPHIC MYOCARDIOPATHY. Identifiers: Orphanet 217569, MedGen C0007194, MeSH D002312, MONDO:0005045, HP:0001639.

Submissions (2):

Labcorp Genetics (formerly Invitae), Labcorp
Classification: Likely pathogenic for Hypertrophic cardiomyopathy. Last evaluated: 2021-12-09. Review status: criteria provided, single submitter. Criteria: Invitae Variant Classification Sherloc (09022015). Collection method: clinical testing. Allele origin: germline.
Comment: This missense change has been observed in individuals with clinical features of hypertrophic cardiomyopathy (HCM) (PMID: 27247418, 27532257). This variant is not present in population databases (gnomAD no frequency). This sequence change replaces arginine, which is basic and polar, with proline, which is neutral and non-polar, at codon 858 of the MYH7 protein (p.Arg858Pro). ClinVar contains an entry for this variant (Variation ID: 520277). This variant is found within a region of MYH7 between codons 181 and 937 that contains the majority of the myosin head domain. Missense variants in this region have been shown to be significantly overrepresented in individuals with hypertrophic cardiomyopathy (PMID: 27532257). In summary, the currently available evidence indicates that the variant is pathogenic, but additional data are needed to prove that conclusively. Therefore, this variant has been classified as Likely Pathogenic. This variant disrupts the p.Arg858 amino acid residue in MYH7. Other variant(s) that disrupt this residue have been determined to be pathogenic (PMID: 15358028, 24093860, 28498465). This suggests that this residue is clinically significant, and that variants that disrupt this residue are likely to be disease-causing. Algorithms developed to predict the effect of missense changes on protein structure and function (SIFT, PolyPhen-2, Align-GVGD) all suggest that this variant is likely to be disruptive.

Ambry Genetics
Classification: Likely pathogenic for Cardiovascular phenotype. Last evaluated: 2016-06-15. Review status: criteria provided, single submitter. Criteria: Ambry Variant Classification Scheme 2023. Collection method: clinical testing. Allele origin: germline.
Comment: The p.R858P variant (also known as c.2573G>C), located in coding exon 20 of the MYH7 gene, results from a G to C substitution at nucleotide position 2573. The arginine at codon 858 is replaced by proline, an amino acid with dissimilar properties. This alteration has been previously reported in individuals with hypertrophic cardiomyopathy (HCM) (Girolami F et al. J Cardiovasc Med. 2006;7(8):601-7; Olivotto I et al. J Am Coll Cardiol. 2011;58(8):839-48; Witjas-Paalberends ER et al. Cardiovasc Res. 2013;99(3):432-41). In addition, other alterations at this amino acid position (p.R858G, p.R858C and p.R858H) have also been reported in individuals with HCM (Van Driest SL et al. J Am Coll Cardiol. 2004;44(3):602-10; Song L et al. Clin Chim Acta. 2005;351(1-2):209-16; Chiou KR et al. J Cardiol. 2015;65(3):250-6; Lopes LR et al. Heart. 2015; 101(4):294-301; LMM, unpublished data in ClinVar). This variant was previously reported in the SNPDatabase as rs2856897. This variant was not reported in population based cohorts in the following databases: Exome Aggregation Consortium (ExAC), NHLBI Exome Sequencing Project (ESP), and 1000 Genomes Project. In the ESP, this variant was not observed in 6503 samples (13006 alleles) with coverage at this position. This amino acid position is highly conserved through mammals. In addition, this alteration is predicted to be deleterious by in silico analysis. Based on the majority of available evidence to date, this variant is likely to be pathogenic.

Literature cited by the submitters: PubMed 27247418 (cited by Labcorp Genetics (formerly Invitae), Labcorp); PubMed 27532257 (cited by Labcorp Genetics (formerly Invitae), Labcorp); PubMed 15358028 (cited by Labcorp Genetics (formerly Invitae), Labcorp and Ambry Genetics); PubMed 24093860 (cited by Labcorp Genetics (formerly Invitae), Labcorp); PubMed 28498465 (cited by Labcorp Genetics (formerly Invitae), Labcorp); PubMed 15563892 (cited by Ambry Genetics); PubMed 16858239 (cited by Ambry Genetics); PubMed 18533079 (cited by Ambry Genetics); PubMed 21835320 (cited by Ambry Genetics); PubMed 23674513 (cited by Ambry Genetics); PubMed 23690394 (cited by Ambry Genetics); PubMed 25086479 (cited by Ambry Genetics); PubMed 25351510 (cited by Ambry Genetics).